The following is an entry in ClinVar:

ClinVar aggregate classification (germline): Conflicting classifications of pathogenicity. Review status: criteria provided, conflicting classifications (1 of 4 stars). 2 submissions from 2 submitters: Uncertain significance (1); Likely benign (1). Last evaluated 2025-08-31.

Conditions:
Cardiovascular phenotype. Identifiers: MedGen CN230736.
Brugada syndrome. Also called: Sudden unexpected nocturnal death syndrome; Sudden unexplained nocturnal death syndrome; Sudden Unexplained Death Syndrome; Sudden Unexplained Nocturnal Death Syndrome (SUNDS). Identifiers: Orphanet 130, MedGen C1142166, MONDO:0015263.

Allele frequency attached by ClinVar (database versions not stated): ExAC 0.00002.
gnomAD v4.1: 17 of 1,614,024 alleles (0.0011%); highest among the groups gnomAD compares: South Asian, 0.019%; no homozygotes.

Submissions (2):

Labcorp Genetics (formerly Invitae), Labcorp
Classification: Uncertain significance for Brugada syndrome. Last evaluated: 2025-08-31. Review status: criteria provided, single submitter. Criteria: Invitae Variant Classification Sherloc (09022015). Collection method: clinical testing. Allele origin: germline.
Comment: This sequence change replaces glutamine, which is neutral and polar, with lysine, which is basic and polar, at codon 940 of the SCN10A protein (p.Gln940Lys). This variant is present in population databases (rs780390487, gnomAD 0.02%). This variant has not been reported in the literature in individuals affected with SCN10A-related conditions. ClinVar contains an entry for this variant (Variation ID: 1796391). Invitae Evidence Modeling of protein sequence and biophysical properties (such as structural, functional, and spatial information, amino acid conservation, physicochemical variation, residue mobility, and thermodynamic stability) indicates that this missense variant is not expected to disrupt SCN10A protein function with a negative predictive value of 80%. In summary, the available evidence is currently insufficient to determine the role of this variant in disease. Therefore, it has been classified as a Variant of Uncertain Significance.

Ambry Genetics
Classification: Likely benign for Cardiovascular phenotype. Last evaluated: 2019-11-15. Review status: criteria provided, single submitter. Criteria: Ambry Variant Classification Scheme 2023. Collection method: clinical testing. Allele origin: germline.

NM_006514.4(SCN10A):c.2818C>A (p.Gln940Lys)

Genes: SCN10A (sodium voltage-gated channel alpha subunit 10; minus strand), LOC110121288 (VISTA enhancer hs2268; plus strand). Cytogenetic location: 3p22.2.
Variant type: single nucleotide variant.
Coding change: c.2818C>A on transcript NM_006514.4 (MANE Select); coding-DNA position 2818, C replaced by A.
Protein change: p.Gln940Lys; replaces glutamine 940 with lysine.
Molecular consequence: missense variant.
Genome position (GRCh38, 1-based): chr3:38,726,875, G>T on the plus strand (C>A on the coding strand, the complement: SCN10A is on the minus strand). VCF-style: chr3-38726875-G-T. GRCh37 (hg19) VCF-style: chr3-38768366-G-T.
Other names: c.2818C>A, p.Gln940Lys (NM_001293306.2); c.2524C>A, p.Gln842Lys (NM_001293307.2); short protein forms Q842K, Q940K.
Identifiers: ClinVar variation 1796391 (VCV001796391.5), dbSNP rs780390487, ClinGen allele CA2320426.
Genomic context (GRCh38, chr3:38,726,875, plus strand): 5'-TCTCAGCCTTGGAGCTGGAGAGTGGGAGTTTCACCACCAGCTCAGGCTCTGCCTTGGGCT[G>T]GGGGAATGGGCAGGACCTGCTGAAGAAGCTGCAAAGAGCCTGTTTGGTACGATGGCCAAA-3'
Protein context (NP_006505.4, residues 930-950): SFFSRSCPFP[Gln940Lys]PKAEPELVVK